The following is an entry in ClinVar:

ClinVar aggregate classification (germline): Uncertain significance (1 of 4 stars; one submission).

Conditions:
Hereditary breast ovarian cancer syndrome. Also called: Breast and ovarian cancer; BRCA1- and BRCA2-Associated Hereditary Breast and Ovarian Cancer; Hereditary breast and ovarian cancer; Hereditary breast and ovarian cancer syndrome (HBOC); Hereditary breast and/or ovarian cancer syndrome; Hereditary breast and ovarian cancer syndrome. Identifiers: Orphanet 145, MedGen C0677776, MeSH D061325, MONDO:0003582. Disease mechanism: loss of function.

Submission:

Labcorp Genetics (formerly Invitae), Labcorp
Classification: Uncertain significance for Hereditary breast ovarian cancer syndrome. Last evaluated: 2023-12-03. Review status: criteria provided, single submitter. Criteria: Invitae Variant Classification Sherloc (09022015). Collection method: clinical testing. Allele origin: germline.
Comment: This sequence change replaces isoleucine, which is neutral and non-polar, with valine, which is neutral and non-polar, at codon 1391 of the BRCA1 protein (p.Ile1391Val). This variant is not present in population databases (gnomAD no frequency). This variant has not been reported in the literature in individuals affected with BRCA1-related conditions. ClinVar contains an entry for this variant (Variation ID: 648881). Advanced modeling of protein sequence and biophysical properties (such as structural, functional, and spatial information, amino acid conservation, physicochemical variation, residue mobility, and thermodynamic stability) performed at Invitae indicates that this missense variant is not expected to disrupt BRCA1 protein function with a negative predictive value of 95%. In summary, the available evidence is currently insufficient to determine the role of this variant in disease. Therefore, it has been classified as a Variant of Uncertain Significance.

NM_007294.4(BRCA1):c.4171A>G (p.Ile1391Val)

Gene: BRCA1 (BRCA1 DNA repair associated; minus strand). Cytogenetic location: 17q21.31.
Variant type: single nucleotide variant.
Coding change: c.4171A>G on transcript NM_007294.4 (MANE Select); coding-DNA position 4171, A replaced by G.
Protein change: p.Ile1391Val; replaces isoleucine 1391 with valine.
Molecular consequence: missense variant. On other transcripts: non-coding transcript variant (1).
Genome position (GRCh38, 1-based): chr17:43,090,958, T>C on the plus strand (A>G on the coding strand, the complement: BRCA1 is on the minus strand). VCF-style: chr17-43090958-T-C. GRCh37 (hg19) VCF-style: chr17-41242975-T-C.
Other names: c.736A>G, p.Ile246Val (NM_001408435.1, NM_001408445.1, NM_001408446.1 and 6 more transcripts); c.739A>G, p.Ile247Val (NM_001408436.1, NM_001408437.1, NM_001408438.1 and 12 more transcripts); c.3958A>G, p.Ile1320Val (NM_001407571.1, NM_001407853.1, NM_001407894.1 and 9 more transcripts); c.4171A>G, p.Ile1391Val (NM_001407581.1, NM_001407582.1, NM_001407583.1 and 30 more transcripts); c.4168A>G, p.Ile1390Val (NM_001407587.1, NM_001407590.1, NM_001407591.1 and 22 more transcripts); c.4162A>G, p.Ile1388Val (NM_001407646.1, NM_001407647.1); c.4048A>G, p.Ile1350Val (NM_001407648.1, NM_001407664.1, NM_001407665.1 and 19 more transcripts); c.4045A>G, p.Ile1349Val (NM_001407649.1, NM_001407670.1, NM_001407671.1 and 11 more transcripts); and 41 more; short protein forms I1344V, I1391V, I288V, I1303V, I1320V, I1323V, I1365V, I160V.
Identifiers: ClinVar variation 648881 (VCV000648881.10), dbSNP rs1597858078, ClinGen allele CA10593379.